The following is an entry in ClinVar:

NM_006949.4(STXBP2):c.631G>A (p.Ala211Thr)

Gene: STXBP2 (syntaxin binding protein 2; plus strand). Cytogenetic location: 19p13.2.
Variant type: single nucleotide variant.
Coding change: c.631G>A on transcript NM_006949.4 (MANE Select); coding-DNA position 631, G replaced by A.
Protein change: p.Ala211Thr; replaces alanine 211 with threonine.
Molecular consequence: missense variant. On other transcripts: non-coding transcript variant (1).
Genome position (GRCh38, 1-based): chr19:7,642,086, G>A. VCF-style: chr19-7642086-G-A. GRCh37 (hg19) VCF-style: chr19-7706972-G-A.
Other names: c.622G>A, p.Ala208Thr (NM_001127396.3); c.664G>A, p.Ala222Thr (NM_001272034.2); short protein forms A211T, A222T, A208T.
Identifiers: ClinVar variation 854545 (VCV000854545.10), dbSNP rs774890011, ClinGen allele CA9143737.

ClinVar aggregate classification (germline): Uncertain significance. Review status: criteria provided, multiple submitters, no conflicts (2 of 4 stars). 2 submissions from 2 submitters: Uncertain significance (2). Last evaluated 2022-08-19.

Conditions:
Familial hemophagocytic lymphohistiocytosis 5. Also called: STXBP2-Related Familial Hemophagocytic Lymphohistiocytosis (STXBP2-fHLH). Identifiers: Orphanet 540, MedGen C2751293, MONDO:0013135, OMIM 613101.

Allele frequency attached by ClinVar (database versions not stated): TOPMed below 0.00001; ExAC 0.00001; gnomAD 0.00001; gnomAD exomes 0.00001.
gnomAD v4.1: 45 of 1,613,970 alleles (0.0028%); highest among the groups gnomAD compares: Non-Finnish European, 0.0037%; no homozygotes.

Submissions (2):

Labcorp Genetics (formerly Invitae), Labcorp
Classification: Uncertain significance for Familial hemophagocytic lymphohistiocytosis 5. Last evaluated: 2022-08-19. Review status: criteria provided, single submitter. Criteria: Invitae Variant Classification Sherloc (09022015). Collection method: clinical testing. Allele origin: germline.
Comment: This sequence change replaces alanine, which is neutral and non-polar, with threonine, which is neutral and polar, at codon 211 of the STXBP2 protein (p.Ala211Thr). This variant is present in population databases (rs774890011, gnomAD 0.002%). This variant has not been reported in the literature in individuals affected with STXBP2-related conditions. ClinVar contains an entry for this variant (Variation ID: 854545). Algorithms developed to predict the effect of missense changes on protein structure and function (SIFT, PolyPhen-2, Align-GVGD) all suggest that this variant is likely to be tolerated. In summary, the available evidence is currently insufficient to determine the role of this variant in disease. Therefore, it has been classified as a Variant of Uncertain Significance.

Illumina Laboratory Services, Illumina
Classification: Uncertain significance for Familial hemophagocytic lymphohistiocytosis 5. Last evaluated: 2018-01-13. Review status: criteria provided, single submitter. Criteria: ICSL Variant Classification Criteria 13 December 2019. Collection method: clinical testing. Allele origin: germline.